The following is an entry in ClinVar:

ClinVar aggregate classification (germline): Uncertain significance. Review status: criteria provided, multiple submitters, no conflicts (2 of 4 stars). 2 submissions from 2 submitters: Uncertain significance (2). Last evaluated 2024-03-19.

Conditions:
Fanconi anemia (FA). Also called: Fanconi's anemia. Identifiers: Orphanet 84, MedGen C0015625, MeSH D005199, MONDO:0019391.
Inborn genetic diseases. Identifiers: MedGen C0950123, MeSH D030342.

Allele frequency attached by ClinVar (database versions not stated): TOPMed 0.00001; ExAC 0.00002; gnomAD exomes 0.00002; gnomAD 0.00003.

Submissions (2):

Ambry Genetics
Classification: Uncertain significance for Inborn genetic diseases. Last evaluated: 2024-03-19. Review status: criteria provided, single submitter. Criteria: Ambry Variant Classification Scheme 2023. Collection method: clinical testing. Allele origin: germline.

Labcorp Genetics (formerly Invitae), Labcorp
Classification: Uncertain significance for Fanconi anemia. Last evaluated: 2022-07-19. Review status: criteria provided, single submitter. Criteria: Invitae Variant Classification Sherloc (09022015). Collection method: clinical testing. Allele origin: germline.
Comment: This sequence change replaces methionine, which is neutral and non-polar, with valine, which is neutral and non-polar, at codon 1279 of the FANCI protein (p.Met1279Val). This variant is present in population databases (rs778056909, gnomAD 0.03%). This variant has not been reported in the literature in individuals affected with FANCI-related conditions. ClinVar contains an entry for this variant (Variation ID: 1401955). Algorithms developed to predict the effect of missense changes on protein structure and function are either unavailable or do not agree on the potential impact of this missense change (SIFT: "Deleterious"; PolyPhen-2: "Benign"; Align-GVGD: "Class C0"). In summary, the available evidence is currently insufficient to determine the role of this variant in disease. Therefore, it has been classified as a Variant of Uncertain Significance.

NM_001113378.2(FANCI):c.3835A>G (p.Met1279Val)

Gene: FANCI (FA complementation group I; plus strand). Cytogenetic location: 15q26.1.
Variant type: single nucleotide variant.
Coding change: c.3835A>G on transcript NM_001113378.2 (MANE Select); coding-DNA position 3835, A replaced by G.
Protein change: p.Met1279Val; replaces methionine 1279 with valine.
Molecular consequence: missense variant.
Genome position (GRCh38, 1-based): chr15:89,315,300, A>G. VCF-style: chr15-89315300-A-G. GRCh37 (hg19) VCF-style: chr15-89858531-A-G.
Other names: c.3556A>G, p.Met1186Val (NM_001376910.1); c.3835A>G, p.Met1279Val (NM_001376911.1); c.3655A>G, p.Met1219Val (NM_018193.3); c.3835A>G (NM_001113378.1); short protein forms M1279V, M1186V, M1219V.
Identifiers: ClinVar variation 1401955 (VCV001401955.7), dbSNP rs778056909, ClinGen allele CA7723933.